The following is an entry in ClinVar:

ClinVar aggregate classification (germline): Conflicting classifications of pathogenicity. Review status: criteria provided, conflicting classifications (1 of 4 stars). 8 submissions from 8 submitters: Uncertain significance (1); Benign (3); Likely benign (2). 2 of the submissions do not count toward it. Last evaluated 2026-05-01.

Conditions:
BTD-related disorder. Also called: BTD-related condition.
Biotinidase deficiency. Also called: Biotin deficiency; BTD deficiency; Late-onset biotin-responsive multiple carboxylase deficiency. Identifiers: Orphanet 79241, MedGen C0220754, MONDO:0009665, OMIM 253260.

Allele frequency attached by ClinVar (database versions not stated): gnomAD below 0.00001 and 0.00028; TOPMed 0.00005; gnomAD exomes 0.00074 and 0.00154; 1000 Genomes Project 30x 0.00156; ExAC 0.00159; 1000 Genomes Project 0.00180.

Submissions (8):

CeGaT Center for Human Genetics Tuebingen
Classification: Benign. Last evaluated: 2026-05-01. Review status: criteria provided, single submitter. Criteria: CeGaT Center For Human Genetics Tuebingen Variant Classification Criteria Version 2. Collection method: clinical testing. Allele origin: germline. Affected: yes. Observed: 1 variant allele.
Comment: BTD: BP4, BS1, BS2

Labcorp Genetics (formerly Invitae), Labcorp
Classification: Benign for Biotinidase deficiency. Last evaluated: 2026-01-28. Review status: criteria provided, single submitter. Criteria: Invitae Variant Classification Sherloc (09022015). Collection method: clinical testing. Allele origin: germline.

PreventionGenetics, part of Exact Sciences
Classification: Likely benign for BTD-related condition. Last evaluated: 2025-09-03. Review status: criteria provided, single submitter. Criteria: ACMG Guidelines, 2015. Collection method: clinical testing. Allele origin: germline.
Comment: This variant is classified as likely benign based on ACMG/AMP sequence variant interpretation guidelines (Richards et al. 2015 PMID: 25741868, with internal and published modifications).

GeneDx
Classification: Likely benign. Last evaluated: 2016-11-09. Review status: criteria provided, single submitter. Criteria: GeneDx Variant Classification (06012015). Collection method: clinical testing. Allele origin: germline. Affected: yes.
Comment: This variant is considered likely benign or benign based on one or more of the following criteria: it is a conservative change, it occurs at a poorly conserved position in the protein, it is predicted to be benign by multiple in silico algorithms, and/or has population frequency not consistent with disease.

Genetic Services Laboratory, University of Chicago
Classification: Uncertain significance. Last evaluated: 2015-11-12. Review status: criteria provided, single submitter. Criteria: ACMG Guidelines, 2015. Collection method: clinical testing. Allele origin: germline. Affected: no.

Broad Center for Mendelian Genomics, Broad Institute of MIT and Harvard
Classification: Benign for Biotinidase deficiency. Review status: criteria provided, single submitter. Criteria: ACMG Guidelines, 2015. Collection method: research. Allele origin: germline. Inheritance: Autosomal recessive inheritance. Affected: yes.
Comment: This variant has also been identified in >1% of South Asian chromosomes and 8 homozygotes by ExAC. In summary, this variant meets criteria to be classified as benign for autosomal recessive biotinidase deficiency.

Natera, Inc.
Classification: Benign for Biotinidase deficiency. Last evaluated: 2020-01-14. Review status: no assertion criteria provided. Collection method: clinical testing. Allele origin: germline. Not counted in ClinVar's aggregate classification.

Counsyl
Classification: Likely benign for Biotinidase deficiency. Last evaluated: 2018-04-20. Review status: no assertion criteria provided. Collection method: clinical testing. Allele origin: unknown. Not counted in ClinVar's aggregate classification.

Literature cited by the submitters: PubMed 14707518 (cited by Broad Center for Mendelian Genomics, Broad Institute of MIT and Harvard and Counsyl); PubMed 17185019 (cited by Counsyl); PubMed 15776412 (cited by Counsyl); PubMed 20083419 (cited by Counsyl).

NM_001370658.1(BTD):c.152T>C (p.Leu51Pro)

Gene: BTD (biotinidase; plus strand). Cytogenetic location: 3p25.1.
Variant type: single nucleotide variant.
Coding change: c.152T>C on transcript NM_001370658.1 (MANE Select); coding-DNA position 152, T replaced by C.
Protein change: p.Leu51Pro; replaces leucine 51 with proline.
Molecular consequence: missense variant.
Genome position (GRCh38, 1-based): chr3:15,635,591, T>C. VCF-style: chr3-15635591-T-C. GRCh37 (hg19) VCF-style: chr3-15677098-T-C.
Other names: L71P; c.212T>C, p.Leu71Pro (NM_000060.4); c.152T>C, p.Leu51Pro (NM_001281723.4, NM_001281724.3, NM_001281725.3 and 37 more transcripts); short protein forms L51P.
Identifiers: ClinVar variation 38482 (VCV000038482.25), dbSNP rs397514333, ClinGen allele CA278161.
Genomic context (GRCh38, chr3:15,635,591, plus strand): 5'-ACCATCACGAGGCTGAATATTATGTGGCTGCCGTGTATGAGCATCCATCCATCCTGAGTC[T>C]GAACCCTCTGGCTCTCATCAGCCGCCAAGAGGCCTTGGAGCTCATGAACCAGAACCTTGA-3'
Protein context (NP_001357587.1, residues 41-61): AVYEHPSILS[Leu51Pro]NPLALISRQE